The following is an entry in ClinVar:

ClinVar aggregate classification (germline): Uncertain significance (1 of 4 stars; one submission).

Conditions:
Joubert syndrome. Also called: JOUBERT-BOLTSHAUSER SYNDROME; Familial aplasia of the vermis. Identifiers: Orphanet 475, MedGen C5979921, MONDO:0018772.
Meckel-Gruber syndrome. Also called: DYSENCEPHALIA SPLANCHNOCYSTICA; GRUBER SYNDROME; Dysencephalia splachnocystica. Identifiers: Orphanet 564, MedGen C0265215, MONDO:0018921.

gnomAD v4.1: 1 of 1,593,942 alleles (0.000063%); no homozygotes.

Submission:

Labcorp Genetics (formerly Invitae), Labcorp
Classification: Uncertain significance for Joubert syndrome; Meckel-Gruber syndrome. Last evaluated: 2024-04-10. Review status: criteria provided, single submitter. Criteria: Invitae Variant Classification Sherloc (09022015). Collection method: clinical testing. Allele origin: germline.
Comment: This sequence change replaces alanine, which is neutral and non-polar, with glutamic acid, which is acidic and polar, at codon 212 of the CC2D2A protein (p.Ala212Glu). This variant is not present in population databases (gnomAD no frequency). This variant has not been reported in the literature in individuals affected with CC2D2A-related conditions. ClinVar contains an entry for this variant (Variation ID: 2184732). Advanced modeling of protein sequence and biophysical properties (such as structural, functional, and spatial information, amino acid conservation, physicochemical variation, residue mobility, and thermodynamic stability) performed at Invitae indicates that this missense variant is not expected to disrupt CC2D2A protein function with a negative predictive value of 95%. In summary, the available evidence is currently insufficient to determine the role of this variant in disease. Therefore, it has been classified as a Variant of Uncertain Significance.

NM_001378615.1(CC2D2A):c.635C>A (p.Ala212Glu)

Genes: CC2D2A (coiled-coil and C2 domain containing 2A; plus strand), FBXL5 (F-box and leucine rich repeat protein 5; minus strand). Cytogenetic location: 4p15.32.
Variant type: single nucleotide variant.
Coding change: c.635C>A on transcript NM_001378615.1 (MANE Select); coding-DNA position 635, C replaced by A.
Protein change: p.Ala212Glu; replaces alanine 212 with glutamic acid.
Molecular consequence: missense variant.
Genome position (GRCh38, 1-based): chr4:15,511,341, C>A. VCF-style: chr4-15511341-C-A. GRCh37 (hg19) VCF-style: chr4-15512964-C-A.
Other names: c.635C>A, p.Ala212Glu (NM_001080522.2); c.488C>A, p.Ala163Glu (NM_001378617.1); short protein forms A163E, A212E.
Identifiers: ClinVar variation 2184732 (VCV002184732.3), dbSNP rs1577336727, ClinGen allele CA356408921.
Genomic context (GRCh38, chr4:15,511,341, plus strand): 5'-ATAACTTCTTTACTTTCAACTTTGATCCCGAACCAGAAGGATCAGAGGAAAAACCAAAAG[C>A]AAGACATAGAGCGGGAACTAATCAAGAGGAGGAGGAAGGGGAAGAAGAAGAACCACCTGC-3'
Protein context (NP_001365544.1, residues 202-222): EPEGSEEKPK[Ala212Glu]RHRAGTNQEE